The following is an entry in ClinVar:

NM_033176.2(NKX2-4):c.803C>T (p.Pro268Leu)

Gene: NKX2-4 (NK2 homeobox 4; minus strand). Cytogenetic location: 20p11.22.
Variant type: single nucleotide variant.
Coding change: c.803C>T on transcript NM_033176.2 (MANE Select); coding-DNA position 803, C replaced by T.
Protein change: p.Pro268Leu; replaces proline 268 with leucine.
Molecular consequence: missense variant.
Genome position (GRCh38, 1-based): chr20:21,396,173, G>A on the plus strand (C>T on the coding strand, the complement: NKX2-4 is on the minus strand). VCF-style: chr20-21396173-G-A. GRCh37 (hg19) VCF-style: chr20-21376811-G-A.
Other names: short protein forms P268L.
Identifiers: ClinVar variation 3235843 (VCV003235843.1), dbSNP rs779236107, ClinGen allele CA9785992.

ClinVar aggregate classification (germline): Uncertain significance (1 of 4 stars; one submission).

Allele frequency attached by ClinVar (database versions not stated): ExAC 0.00007.

Submission:

Greenwood Genetic Center Diagnostic Laboratories, Greenwood Genetic Center
Classification: Uncertain significance. Last evaluated: 2024-01-22. Review status: criteria provided, single submitter. Criteria: ACMG Guidelines, 2015. Collection method: clinical testing. Allele origin: germline. Affected: yes.
Comment: Gene of Uncertain Significance